The following is an entry in ClinVar:

NM_001182.5(ALDH7A1):c.-13T>G

Gene: ALDH7A1 (aldehyde dehydrogenase 7 family member A1; minus strand). Cytogenetic location: 5q23.2.
Variant type: single nucleotide variant.
Coding change: c.-13T>G on transcript NM_001182.5 (MANE Select); 13 bases upstream of the start codon, T replaced by G.
Molecular consequence: 5 prime UTR variant.
Genome position (GRCh38, 1-based): chr5:126,595,211, A>C on the plus strand (T>G on the coding strand, the complement: ALDH7A1 is on the minus strand). VCF-style: chr5-126595211-A-C. GRCh37 (hg19) VCF-style: chr5-125930903-A-C.
Other names: c.-97T>G (NM_001201377.2); c.-13T>G (NM_001202404.2).
Identifiers: ClinVar variation 379817 (VCV000379817.43), dbSNP rs774190967, ClinGen allele CA3389948.
Genomic context (GRCh38, chr5:126,595,211, plus strand): 5'-GCTGGTCTTTGCAGCGTGCACACACAGCGCGCGAGGAAGGCGCCACATACTGAGCCCGGG[A>C]CTCGGGATGAGCCCAAGGCCCTGAGAGCTGCTGAAATAGAGCCCCGCCCCCCGCCCGGGA-3'

ClinVar aggregate classification (germline): Conflicting classifications of pathogenicity. Review status: criteria provided, conflicting classifications (1 of 4 stars). 2 submissions from 2 submitters: Uncertain significance (1); Likely benign (1). Last evaluated 2016-05-01.

Allele frequency attached by ClinVar (database versions not stated): ExAC below 0.00001; gnomAD 0.00005 and 0.00006; gnomAD exomes 0.00005 and 0.00015; TOPMed 0.00006.
gnomAD v4.1: 210 of 1,551,374 alleles (0.014%); highest among the groups gnomAD compares: Non-Finnish European, 0.017%; no homozygotes.

Submissions (2):

CeGaT Center for Human Genetics Tuebingen
Classification: Uncertain significance. Last evaluated: 2016-05-01. Review status: criteria provided, single submitter. Criteria: CeGaT Center For Human Genetics Tuebingen Variant Classification Criteria Version 2. Collection method: clinical testing. Allele origin: germline. Affected: yes. Observed: 1 variant allele.

GeneDx
Classification: Likely benign. Last evaluated: 2015-11-13. Review status: criteria provided, single submitter. Criteria: GeneDx Variant Classification (06012015). Collection method: clinical testing. Allele origin: germline. Affected: yes.
Comment: This variant is considered likely benign or benign based on one or more of the following criteria: it is a conservative change, it occurs at a poorly conserved position in the protein, it is predicted to be benign by multiple in silico algorithms, and/or has population frequency not consistent with disease.